The following is an entry in ClinVar:

ClinVar aggregate classification (germline): Uncertain significance (1 of 4 stars; one submission).

Conditions:
DICER1-related tumor predisposition. Also called: DICER1 syndrome; DICER1-related pleuropulmonary blastoma cancer predisposition syndrome. Identifiers: Orphanet 284343, MedGen C3839822, MONDO:0100216.

Submission:

Labcorp Genetics (formerly Invitae), Labcorp
Classification: Uncertain significance for DICER1-related tumor predisposition. Last evaluated: 2024-01-27. Review status: criteria provided, single submitter. Criteria: Invitae Variant Classification Sherloc (09022015). Collection method: clinical testing. Allele origin: germline.
Comment: This sequence change replaces histidine, which is basic and polar, with tyrosine, which is neutral and polar, at codon 1719 of the DICER1 protein (p.His1719Tyr). This variant is not present in population databases (gnomAD no frequency). This variant has not been reported in the literature in individuals affected with DICER1-related conditions. Advanced modeling of protein sequence and biophysical properties (such as structural, functional, and spatial information, amino acid conservation, physicochemical variation, residue mobility, and thermodynamic stability) performed at Invitae indicates that this missense variant is not expected to disrupt DICER1 protein function with a negative predictive value of 80%. In summary, the available evidence is currently insufficient to determine the role of this variant in disease. Therefore, it has been classified as a Variant of Uncertain Significance.

NM_177438.3(DICER1):c.5155C>T (p.His1719Tyr)

Gene: DICER1 (dicer 1, ribonuclease III; minus strand). Cytogenetic location: 14q32.13.
Variant type: single nucleotide variant.
Coding change: c.5155C>T on transcript NM_177438.3 (MANE Select); coding-DNA position 5155, C replaced by T.
Protein change: p.His1719Tyr; replaces histidine 1719 with tyrosine.
Molecular consequence: missense variant. On other transcripts: non-coding transcript variant (6).
Genome position (GRCh38, 1-based): chr14:95,094,097, G>A on the plus strand (C>T on the coding strand, the complement: DICER1 is on the minus strand). VCF-style: chr14-95094097-G-A. GRCh37 (hg19) VCF-style: chr14-95560434-G-A.
Other names: c.5155C>T, p.His1719Tyr (NM_001195573.1, NM_001271282.3, NM_001291628.2 and 9 more transcripts); c.4873C>T, p.His1625Tyr (NM_001395686.1); c.4750C>T, p.His1584Tyr (NM_001395687.1, NM_001395688.1, NM_001395689.1 and 1 more transcripts); c.4588C>T, p.His1530Tyr (NM_001395691.1); c.3472C>T, p.His1158Tyr (NM_001395697.1); short protein forms H1158Y, H1530Y, H1625Y, H1719Y, H1584Y.
Identifiers: ClinVar variation 2713442 (VCV002713442.3), dbSNP rs1595331095, ClinGen allele CA390865323.
Genomic context (GRCh38, chr14:95,094,097, plus strand): 5'-GGGCAGACCGCAGGTCTGTCAGGACCCCCGGGGAGTGCTGCCGCGGGTCTTCATAAAGGT[G>A]CTTGGTTATGAGGTAGTCCAAAATCGCATCTCCCAGGAATTCTAAGCGCTGGTAACAATC-3'
Protein context (NP_803187.1, residues 1709-1729): DAILDYLITK[His1719Tyr]LYEDPRQHSP